The following is an entry in ClinVar:

NM_001142800.2(EYS):c.6954A>C (p.Glu2318Asp)

Gene: EYS (EGF-like photoreceptor maintenance factor; minus strand). Cytogenetic location: 6q12.
Variant type: single nucleotide variant.
Coding change: c.6954A>C on transcript NM_001142800.2 (MANE Select); coding-DNA position 6954, A replaced by C.
Protein change: p.Glu2318Asp; replaces glutamic acid 2318 with aspartic acid.
Molecular consequence: missense variant.
Genome position (GRCh38, 1-based): chr6:63,984,484, T>G on the plus strand (A>C on the coding strand, the complement: EYS is on the minus strand). VCF-style: chr6-63984484-T-G. GRCh37 (hg19) VCF-style: chr6-64694377-T-G.
Other names: c.6954A>C, p.Glu2318Asp (NM_001292009.2); short protein forms E2318D.
Identifiers: ClinVar variation 934896 (VCV000934896.9), dbSNP rs1280775639, ClinGen allele CA364388637.

ClinVar aggregate classification (germline): Uncertain significance (1 of 4 stars; one submission).

Submission:

Labcorp Genetics (formerly Invitae), Labcorp
Classification: Uncertain significance. Last evaluated: 2022-08-10. Review status: criteria provided, single submitter. Criteria: Invitae Variant Classification Sherloc (09022015). Collection method: clinical testing. Allele origin: germline.
Comment: Algorithms developed to predict the effect of missense changes on protein structure and function (SIFT, PolyPhen-2, Align-GVGD) all suggest that this variant is likely to be disruptive. ClinVar contains an entry for this variant (Variation ID: 934896). This variant has not been reported in the literature in individuals affected with EYS-related conditions. This variant is not present in population databases (gnomAD no frequency). This sequence change replaces glutamic acid, which is acidic and polar, with aspartic acid, which is acidic and polar, at codon 2318 of the EYS protein (p.Glu2318Asp). In summary, the available evidence is currently insufficient to determine the role of this variant in disease. Therefore, it has been classified as a Variant of Uncertain Significance.